The following is an entry in ClinVar:

ClinVar aggregate classification (germline): Uncertain significance. Review status: criteria provided, multiple submitters, no conflicts (2 of 4 stars). 3 submissions from 3 submitters: Uncertain significance (3). Last evaluated 2025-06-13.

Conditions:
Hereditary cancer-predisposing syndrome. Also called: Tumor predisposition; Hereditary Cancer Syndrome; Hereditary neoplastic syndrome; Neoplastic Syndromes, Hereditary. Identifiers: Orphanet 140162, MedGen C0027672, MeSH D009386, MONDO:0015356.
Multiple endocrine neoplasia, type 2 (MEN2). Identifiers: Orphanet 653, MedGen C4048306, MONDO:0019003. Disease mechanism: gain of function.
Hirschsprung disease, susceptibility to, 1 (HSCR1). Also called: RET-Related Hirschsprung Disease. Identifiers: Orphanet 388, MedGen C3888239, MONDO:0007723, OMIM 142623.
Multiple endocrine neoplasia type 2B. Also called: Multiple endocrine neoplasia, type 3; MULTIPLE ENDOCRINE NEOPLASIA, TYPE IIB; MEN IIB; NEUROMATA, MUCOSAL, WITH ENDOCRINE TUMORS; WAGENMANN-FROBOESE SYNDROME; MULTIPLE ENDOCRINE NEOPLASIA, TYPE III. Identifiers: Orphanet 247709, Orphanet 653, MedGen C0025269, MeSH D018814, MONDO:0008082, OMIM 162300.
Pheochromocytoma. Also called: MAX-Related Hereditary Paraganglioma-Pheochromocytoma Syndrome. Identifiers: Orphanet 29072, MedGen C0031511, MONDO:0008233, OMIM 171300, HP:0002666.
Familial medullary thyroid carcinoma (MTC). Also called: Thyroid cancer, familial medullary; MTC, familial; Familial Medullary Thyroid Carcinoma (FMTC). Identifiers: Orphanet 653, Orphanet 99361, MedGen C1833921, MONDO:0007958, OMIM 155240.
Multiple endocrine neoplasia type 2A. Also called: MULTIPLE ENDOCRINE NEOPLASIA, TYPE IIA; PTC SYNDROME; SIPPLE SYNDROME; MEN 2A; MEN-2A syndrome; Pheochromocytoma and amyloid producing medullary thyroid carcinoma. Identifiers: Orphanet 247698, Orphanet 653, MedGen C0025268, MeSH D018813, MONDO:0008234, OMIM 171400.

Submissions (3):

Ambry Genetics
Classification: Uncertain significance for Hereditary cancer-predisposing syndrome. Last evaluated: 2025-06-13. Review status: criteria provided, single submitter. Criteria: Ambry Variant Classification Scheme 2023. Collection method: clinical testing. Allele origin: germline.
Comment: The p.L517R variant (also known as c.1550T>G), located in coding exon 8 of the RET gene, results from a T to G substitution at nucleotide position 1550. The leucine at codon 517 is replaced by arginine, an amino acid with dissimilar properties. This amino acid position is not well conserved in available vertebrate species. In addition, the in silico prediction for this alteration is inconclusive. Based on the available evidence, the clinical significance of this variant remains unclear.

Fulgent Genetics
Classification: Uncertain significance for Hirschsprung disease, susceptibility to, 1; Familial medullary thyroid carcinoma; Multiple endocrine neoplasia type 2B; Pheochromocytoma; Multiple endocrine neoplasia type 2A. Last evaluated: 2024-02-27. Review status: criteria provided, single submitter. Criteria: ACMG Guidelines, 2015. Collection method: clinical testing. Allele origin: germline.

Labcorp Genetics (formerly Invitae), Labcorp
Classification: Uncertain significance for Multiple endocrine neoplasia, type 2. Last evaluated: 2022-12-10. Review status: criteria provided, single submitter. Criteria: Invitae Variant Classification Sherloc (09022015). Collection method: clinical testing. Allele origin: germline.
Comment: In summary, the available evidence is currently insufficient to determine the role of this variant in disease. Therefore, it has been classified as a Variant of Uncertain Significance. Algorithms developed to predict the effect of missense changes on protein structure and function (SIFT, PolyPhen-2, Align-GVGD) all suggest that this variant is likely to be tolerated. ClinVar contains an entry for this variant (Variation ID: 1775057). This variant has not been reported in the literature in individuals affected with RET-related conditions. This variant is not present in population databases (gnomAD no frequency). This sequence change replaces leucine, which is neutral and non-polar, with arginine, which is basic and polar, at codon 517 of the RET protein (p.Leu517Arg).

NM_020975.6(RET):c.1550T>G (p.Leu517Arg)

Gene: RET (ret proto-oncogene; plus strand). Cytogenetic location: 10q11.21.
Variant type: single nucleotide variant.
Coding change: c.1550T>G on transcript NM_020975.6 (MANE Select); coding-DNA position 1550, T replaced by G.
Protein change: p.Leu517Arg; replaces leucine 517 with arginine.
Molecular consequence: missense variant.
Genome position (GRCh38, 1-based): chr10:43,112,126, T>G. VCF-style: chr10-43112126-T-G. GRCh37 (hg19) VCF-style: chr10-43607574-T-G.
Other names: c.1550T>G, p.Leu517Arg (NM_000323.2, NM_001406743.1, NM_001406744.1 and 6 more transcripts); c.788T>G, p.Leu263Arg (NM_001355216.2); c.1262T>G, p.Leu421Arg (NM_001406770.1, NM_001406766.1, NM_001406767.1); c.1112T>G, p.Leu371Arg (NM_001406771.1, NM_001406773.1); c.1154T>G, p.Leu385Arg (NM_001406772.1, NM_001406769.1); c.1025T>G, p.Leu342Arg (NM_001406774.1); c.824T>G, p.Leu275Arg (NM_001406775.1, NM_001406776.1, NM_001406777.1 and 1 more transcripts); c.653T>G, p.Leu218Arg (NM_001406779.1, NM_001406780.1, NM_001406781.1 and 3 more transcripts); and 5 more; short protein forms L175R, L187R, L371R, L385R, L275R, L34R, L122R, L218R.
Identifiers: ClinVar variation 1775057 (VCV001775057.9), dbSNP rs2132797163, ClinGen allele CA376550309.